The following is an entry in ClinVar:

NM_005560.6(LAMA5):c.8048-8C>G

Gene: LAMA5 (laminin subunit alpha 5; minus strand). Cytogenetic location: 20q13.33.
Variant type: single nucleotide variant.
Coding change: c.8048-8C>G on transcript NM_005560.6 (MANE Select); 8 bases into the intron before coding-DNA position 8048, C replaced by G.
Molecular consequence: intron variant.
Genome position (GRCh38, 1-based): chr20:62,314,955, G>C on the plus strand (C>G on the coding strand, the complement: LAMA5 is on the minus strand). VCF-style: chr20-62314955-G-C. GRCh37 (hg19) VCF-style: chr20-60890011-G-C.
Other names: p.?.
Identifiers: ClinVar variation 786974 (VCV000786974.34), dbSNP rs202247135, ClinGen allele CA9940890.

ClinVar aggregate classification (germline): Benign/Likely benign. Review status: criteria provided, multiple submitters, no conflicts (2 of 4 stars). 4 submissions from 4 submitters: Benign (1); Likely benign (2). 1 of the submissions does not count toward it. Last evaluated 2026-01-31.

Conditions:
LAMA5-related disorder. Also called: LAMA5-Related Disorders; LAMA5-related condition.

Allele frequency attached by ClinVar (database versions not stated): gnomAD 0.00362 and 0.00394; TOPMed 0.00395; ESP Exome Variant Server 0.00408; gnomAD exomes 0.00099; ExAC 0.00111; 1000 Genomes Project 0.00319; 1000 Genomes Project 30x 0.00328.
gnomAD v4.1: 1,115 of 1,592,004 alleles (0.07%); highest among the groups gnomAD compares: African/African-American, 1.3%; 11 homozygotes.

Submissions (13):

Labcorp Genetics (formerly Invitae), Labcorp
Classification: Benign. Last evaluated: 2026-01-31. Review status: criteria provided, single submitter. Criteria: Invitae Variant Classification Sherloc (09022015). Collection method: clinical testing. Allele origin: germline.

CeGaT Center for Human Genetics Tuebingen
Classification: Likely benign. Last evaluated: 2026-01-01. Review status: criteria provided, single submitter. Criteria: CeGaT Center For Human Genetics Tuebingen Variant Classification Criteria Version 2. Collection method: clinical testing. Allele origin: germline. Affected: yes. Observed: 3 variant alleles.
Comment: LAMA5: BP4, BS1

Mayo Clinic Laboratories, Mayo Clinic
Classification: Likely benign. Last evaluated: 2025-04-16. Review status: criteria provided, single submitter. Criteria: ACMG Guidelines, 2015. Collection method: clinical testing. Allele origin: germline. Observed: 1 variant allele.
Comment: BS1, BP4, BP7

PreventionGenetics, part of Exact Sciences
Classification: Benign for LAMA5-related condition. Last evaluated: 2020-11-21. Review status: no assertion criteria provided. Collection method: clinical testing. Allele origin: germline. Not counted in ClinVar's aggregate classification.
Comment: This variant is classified as benign based on ACMG/AMP sequence variant interpretation guidelines (Richards et al. 2015 PMID: 25741868, with internal and published modifications).

Dr. Peter K. Rogan Lab, Western University
No classification provided (evidence only). Condition: Lung cancer. Review status: no classification provided. Collection method: in vitro. Allele origin: not applicable. Functional consequence: skipped exon. Not counted in ClinVar's aggregate classification.

Dr. Peter K. Rogan Lab, Western University
No classification provided (evidence only). Condition: Familial cancer of breast. Review status: no classification provided. Collection method: in vitro. Allele origin: not applicable. Functional consequence: retained intron. Not counted in ClinVar's aggregate classification.

Dr. Peter K. Rogan Lab, Western University
No classification provided (evidence only). Condition: Familial cancer of breast. Review status: no classification provided. Collection method: in vitro. Allele origin: not applicable. Functional consequence: retained intron. Not counted in ClinVar's aggregate classification.

Dr. Peter K. Rogan Lab, Western University
No classification provided (evidence only). Condition: Uterine corpus endometrial carcinoma. Review status: no classification provided. Collection method: in vitro. Allele origin: not applicable. Functional consequence: retained intron. Not counted in ClinVar's aggregate classification.

Dr. Peter K. Rogan Lab, Western University
No classification provided (evidence only). Condition: Uterine corpus endometrial carcinoma. Review status: no classification provided. Collection method: in vitro. Allele origin: not applicable. Functional consequence: retained intron. Not counted in ClinVar's aggregate classification.

Dr. Peter K. Rogan Lab, Western University
No classification provided (evidence only). Condition: Uterine corpus endometrial carcinoma. Review status: no classification provided. Collection method: in vitro. Allele origin: not applicable. Functional consequence: retained intron. Not counted in ClinVar's aggregate classification.

Dr. Peter K. Rogan Lab, Western University
No classification provided (evidence only). Condition: Thymoma. Review status: no classification provided. Collection method: in vitro. Allele origin: not applicable. Functional consequence: retained intron. Not counted in ClinVar's aggregate classification.

Dr. Peter K. Rogan Lab, Western University
No classification provided (evidence only). Condition: Ovarian serous cystadenocarcinoma. Review status: no classification provided. Collection method: in vitro. Allele origin: not applicable. Functional consequence: retained intron. Not counted in ClinVar's aggregate classification.

Dr. Peter K. Rogan Lab, Western University
No classification provided (evidence only). Condition: Uterine carcinosarcoma. Review status: no classification provided. Collection method: in vitro. Allele origin: not applicable. Functional consequence: retained intron. Not counted in ClinVar's aggregate classification.